The following is an entry in ClinVar:

NM_000426.4(LAMA2):c.7572+1G>T

Gene: LAMA2 (laminin subunit alpha 2; plus strand). Cytogenetic location: 6q22.33.
Variant type: single nucleotide variant.
Coding change: c.7572+1G>T on transcript NM_000426.4 (MANE Select); the canonical splice donor site of the intron after coding-DNA position 7572, G replaced by T.
Molecular consequence: splice donor variant.
Genome position (GRCh38, 1-based): chr6:129,478,814, G>T. VCF-style: chr6-129478814-G-T. GRCh37 (hg19) VCF-style: chr6-129799959-G-T.
Other names: c.7560+1G>T (NM_001079823.2).
Identifiers: ClinVar variation 1929390 (VCV001929390.5), dbSNP rs1554305006, ClinGen allele CA365627066.
Genomic context (GRCh38, chr6:129,478,814, plus strand): 5'-CCGTACAATATACTCAGTAGTCCCGATTATGTTGGTGTTACCAAAGGATGTTCCCTGGAG[G>T]TTGGTCTGTTTTTGATAGTTCTCTAAACACATTTATATCAGATTTCACTTACTTAGTGTG-3'

ClinVar aggregate classification (germline): Pathogenic (1 of 4 stars; one submission).

Conditions:
LAMA2-related muscular dystrophy (LAMA2-RD). Also called: Laminin alpha 2-related dystrophy. Identifiers: MedGen C5679788, MONDO:0100228.

Submission:

Labcorp Genetics (formerly Invitae), Labcorp
Classification: Pathogenic for LAMA2-related muscular dystrophy. Last evaluated: 2024-02-23. Review status: criteria provided, single submitter. Criteria: Invitae Variant Classification Sherloc (09022015). Collection method: clinical testing. Allele origin: germline.
Comment: This sequence change affects a donor splice site in intron 54 of the LAMA2 gene. It is expected to disrupt RNA splicing. Variants that disrupt the donor or acceptor splice site typically lead to a loss of protein function (PMID: 16199547), and loss-of-function variants in LAMA2 are known to be pathogenic (PMID: 18700894, 32904964). This variant is not present in population databases (gnomAD no frequency). Disruption of this splice site has been observed in individual(s) with LAMA2-related conditions (PMID: 30055037, 32266982). In at least one individual the data is consistent with being in trans (on the opposite chromosome) from a pathogenic variant. ClinVar contains an entry for this variant (Variation ID: 1929390). Algorithms developed to predict the effect of sequence changes on RNA splicing suggest that this variant may disrupt the consensus splice site. For these reasons, this variant has been classified as Pathogenic.

Literature cited by the submitters: PubMed 16199547; PubMed 18700894; PubMed 32904964; PubMed 30055037; PubMed 32266982.